The following is an entry in ClinVar:

NM_153460.4(IL17RC):c.2084A>C (p.Tyr695Ser)

Genes: IL17RC (interleukin 17 receptor C; plus strand), LOC129936144 (ATAC-STARR-seq lymphoblastoid silent region 14051; plus strand). Cytogenetic location: 3p25.3.
Variant type: single nucleotide variant.
Coding change: c.2084A>C on transcript NM_153460.4 (MANE Select); coding-DNA position 2084, A replaced by C.
Protein change: p.Tyr695Ser; replaces tyrosine 695 with serine.
Molecular consequence: missense variant. On other transcripts: non-coding transcript variant (1).
Genome position (GRCh38, 1-based): chr3:9,933,514, A>C. VCF-style: chr3-9933514-A-C. GRCh37 (hg19) VCF-style: chr3-9975198-A-C.
Other names: c.2045A>C, p.Tyr682Ser (NM_001203263.2); c.1994A>C, p.Tyr665Ser (NM_001203264.2); c.1988A>C, p.Tyr663Ser (NM_001203265.2); c.2006A>C, p.Tyr669Ser (NM_001367278.1); c.1925A>C, p.Tyr642Ser (NM_001367279.1); c.2000A>C, p.Tyr667Ser (NM_001367280.1); c.1949A>C, p.Tyr650Ser (NM_001410711.1); c.2039A>C, p.Tyr680Ser (NM_032732.6); and 1 more; short protein forms Y642S, Y667S, Y669S, Y663S, Y665S, Y682S, Y650S, Y680S.
Identifiers: ClinVar variation 2849083 (VCV002849083.3), dbSNP rs2470454769, ClinGen allele CA351709580.

ClinVar aggregate classification (germline): Uncertain significance (1 of 4 stars; one submission).

Conditions:
Candidiasis, familial, 9 (CANDF9). Identifiers: Orphanet 1334, MedGen C4225324, MONDO:0014642, OMIM 616445.

Allele frequency attached by ClinVar (database versions not stated): gnomAD exomes below 0.00001.
gnomAD v4.1: 1 of 1,610,088 alleles (0.000062%); highest among the groups gnomAD compares: Non-Finnish European, 0.000085%; no homozygotes.

Submission:

Labcorp Genetics (formerly Invitae), Labcorp
Classification: Uncertain significance for Candidiasis, familial, 9. Last evaluated: 2023-04-03. Review status: criteria provided, single submitter. Criteria: Invitae Variant Classification Sherloc (09022015). Collection method: clinical testing. Allele origin: germline.
Comment: In summary, the available evidence is currently insufficient to determine the role of this variant in disease. Therefore, it has been classified as a Variant of Uncertain Significance. An algorithm developed to predict the effect of missense changes on protein structure and function (PolyPhen-2) suggests that this variant is likely to be tolerated. This variant has not been reported in the literature in individuals affected with IL17RC-related conditions. This variant is not present in population databases (gnomAD no frequency). This sequence change replaces tyrosine, which is neutral and polar, with serine, which is neutral and polar, at codon 766 of the IL17RC protein (p.Tyr766Ser).